The following is an entry in ClinVar:

ClinVar aggregate classification (germline): Uncertain significance (1 of 4 stars; one submission).

Conditions:
Familial cold autoinflammatory syndrome 2 (FCAS2). Identifiers: Orphanet 247868, MedGen C2673198, MONDO:0012724, OMIM 611762.

Submission:

Labcorp Genetics (formerly Invitae), Labcorp
Classification: Uncertain significance for Familial cold autoinflammatory syndrome 2. Last evaluated: 2023-11-27. Review status: criteria provided, single submitter. Criteria: Invitae Variant Classification Sherloc (09022015). Collection method: clinical testing. Allele origin: germline.
Comment: This variant results in a copy number gain of the genomic region encompassing exon(s) 1 of the NLRP12 gene. This region includes the initiator codon of the gene. This copy number gain extends beyond the assayed region for this gene and therefore may encompass additional genes. As the precise location of this event is unknown, it may be in tandem or it may be located elsewhere in the genome. This variant has not been reported in the literature in individuals affected with NLRP12-related conditions. Experimental studies and prediction algorithms are not available or were not evaluated, and the functional significance of this variant is currently unknown. In summary, the available evidence is currently insufficient to determine the role of this variant in disease. Therefore, it has been classified as a Variant of Uncertain Significance.

NC_000019.9:g.(?_54327120)_(54327428_?)dup

Gene: NLRP12 (NLR family pyrin domain containing 12; minus strand). Cytogenetic location: 19q13.42.
Variant type: Duplication.
Identifiers: ClinVar variation 1448532 (VCV001448532.4).